The following is an entry in ClinVar:

ClinVar aggregate classification (germline): Uncertain significance (1 of 4 stars; one submission).

Conditions:
Gorlin syndrome. Also called: Nevoid Basal Cell Carcinoma Syndrome; Basal cell nevus syndrome. Identifiers: Orphanet 377, MedGen C0004779, MONDO:0007187.

Submission:

Labcorp Genetics (formerly Invitae), Labcorp
Classification: Uncertain significance for Gorlin syndrome. Last evaluated: 2023-02-11. Review status: criteria provided, single submitter. Criteria: Invitae Variant Classification Sherloc (09022015). Collection method: clinical testing. Allele origin: germline.
Comment: In summary, the available evidence is currently insufficient to determine the role of this variant in disease. Therefore, it has been classified as a Variant of Uncertain Significance. Advanced modeling of protein sequence and biophysical properties (such as structural, functional, and spatial information, amino acid conservation, physicochemical variation, residue mobility, and thermodynamic stability) performed at Invitae indicates that this missense variant is not expected to disrupt PTCH1 protein function. This variant has not been reported in the literature in individuals affected with PTCH1-related conditions. This variant is not present in population databases (gnomAD no frequency). This sequence change replaces cysteine, which is neutral and slightly polar, with glycine, which is neutral and non-polar, at codon 1437 of the PTCH1 protein (p.Cys1437Gly).

NM_000264.5(PTCH1):c.4309T>G (p.Cys1437Gly)

Gene: PTCH1 (patched 1; minus strand). Cytogenetic location: 9q22.32.
Variant type: single nucleotide variant.
Coding change: c.4309T>G on transcript NM_000264.5 (MANE Select); coding-DNA position 4309, T replaced by G.
Protein change: p.Cys1437Gly; replaces cysteine 1437 with glycine.
Molecular consequence: missense variant. On other transcripts: non-coding transcript variant (1).
Genome position (GRCh38, 1-based): chr9:95,446,947, A>C on the plus strand (T>G on the coding strand, the complement: PTCH1 is on the minus strand). VCF-style: chr9-95446947-A-C. GRCh37 (hg19) VCF-style: chr9-98209229-A-C.
Other names: c.4111T>G, p.Cys1371Gly (NM_001083602.3); c.4306T>G, p.Cys1436Gly (NM_001083603.3); c.3856T>G, p.Cys1286Gly (NM_001083604.3, NM_001083605.3, NM_001083606.3 and 1 more transcripts); c.4153T>G, p.Cys1385Gly (NM_001354918.2); short protein forms C1286G, C1371G, C1436G, C1437G, C1385G.
Identifiers: ClinVar variation 2836189 (VCV002836189.3), dbSNP rs1309129743, ClinGen allele CA374109887.